The following is an entry in ClinVar:

ClinVar aggregate classification (germline): Uncertain significance. Review status: criteria provided, multiple submitters, no conflicts (2 of 4 stars). 3 submissions from 3 submitters: Uncertain significance (3). Last evaluated 2025-09-21.

Conditions:
Inborn genetic diseases. Identifiers: MedGen C0950123, MeSH D030342.
PEX3-related disorder. Also called: PEX3-related condition.

Allele frequency attached by ClinVar (database versions not stated): gnomAD exomes below 0.00001; ExAC 0.00001.
gnomAD v4.1: 2 of 1,563,150 alleles (0.00013%); highest among the groups gnomAD compares: Admixed American, 0.0033%; no homozygotes.

Submissions (3):

Ambry Genetics
Classification: Uncertain significance for Inborn genetic diseases. Last evaluated: 2025-09-21. Review status: criteria provided, single submitter. Criteria: Ambry Variant Classification Scheme 2023. Collection method: clinical testing. Allele origin: germline.

PreventionGenetics, part of Exact Sciences
Classification: Uncertain significance for PEX3-related condition. Last evaluated: 2025-07-01. Review status: criteria provided, single submitter. Criteria: ACMG Guidelines, 2015. Collection method: clinical testing. Allele origin: germline.
Comment: The PEX3 c.1027C>A variant is predicted to result in the amino acid substitution p.His343Asn. To our knowledge, this variant has not been reported in the literature. This variant is reported in 0.0029% of alleles in individuals of Latino descent in gnomAD. At this time, the clinical significance of this variant is uncertain due to the absence of conclusive functional and genetic evidence.

Labcorp Genetics (formerly Invitae), Labcorp
Classification: Uncertain significance. Last evaluated: 2022-10-13. Review status: criteria provided, single submitter. Criteria: Invitae Variant Classification Sherloc (09022015). Collection method: clinical testing. Allele origin: germline.
Comment: This sequence change replaces histidine, which is basic and polar, with asparagine, which is neutral and polar, at codon 343 of the PEX3 protein (p.His343Asn). This variant is present in population databases (rs773896814, gnomAD 0.003%). This variant has not been reported in the literature in individuals affected with PEX3-related conditions. ClinVar contains an entry for this variant (Variation ID: 934703). Advanced modeling of protein sequence and biophysical properties (such as structural, functional, and spatial information, amino acid conservation, physicochemical variation, residue mobility, and thermodynamic stability) performed at Invitae indicates that this missense variant is not expected to disrupt PEX3 protein function. In summary, the available evidence is currently insufficient to determine the role of this variant in disease. Therefore, it has been classified as a Variant of Uncertain Significance.

NM_003630.3(PEX3):c.1027C>A (p.His343Asn)

Gene: PEX3 (peroxisomal biogenesis factor 3; plus strand). Cytogenetic location: 6q24.2.
Variant type: single nucleotide variant.
Coding change: c.1027C>A on transcript NM_003630.3 (MANE Select); coding-DNA position 1027, C replaced by A.
Protein change: p.His343Asn; replaces histidine 343 with asparagine.
Molecular consequence: missense variant.
Genome position (GRCh38, 1-based): chr6:143,485,237, C>A. VCF-style: chr6-143485237-C-A. GRCh37 (hg19) VCF-style: chr6-143806374-C-A.
Other names: short protein forms H343N.
Identifiers: ClinVar variation 934703 (VCV000934703.7), dbSNP rs773896814, ClinGen allele CA4029727.